The following is an entry in ClinVar:

ClinVar aggregate classification (germline): Likely benign. Review status: criteria provided, single submitter (1 of 4 stars). 2 submissions from 2 submitters: Likely benign (1). 1 of the submissions does not count toward it. Last evaluated 2024-04-29.

Conditions:
POR-related disorder. Also called: POR-related condition.
Congenital adrenal hyperplasia due to cytochrome P450 oxidoreductase deficiency. Also called: DISORDERED STEROIDOGENESIS DUE TO POR DEFICIENCY. Identifiers: Orphanet 95699, MedGen C1860042, MONDO:0013310, OMIM 613571.

Allele frequency attached by ClinVar (database versions not stated): gnomAD 0.00001; TOPMed 0.00001; ExAC 0.00002.
gnomAD v4.1: 34 of 1,612,438 alleles (0.0021%); highest among the groups gnomAD compares: East Asian, 0.016%; no homozygotes.

Submissions (2):

Labcorp Genetics (formerly Invitae), Labcorp
Classification: Likely benign for Congenital adrenal hyperplasia due to cytochrome P450 oxidoreductase deficiency. Last evaluated: 2024-04-29. Review status: criteria provided, single submitter. Criteria: Invitae Variant Classification Sherloc (09022015). Collection method: clinical testing. Allele origin: germline.

PreventionGenetics, part of Exact Sciences
Classification: Likely benign for POR-related condition. Last evaluated: 2019-04-04. Review status: no assertion criteria provided. Collection method: clinical testing. Allele origin: germline. Not counted in ClinVar's aggregate classification.
Comment: This variant is classified as likely benign based on ACMG/AMP sequence variant interpretation guidelines (Richards et al. 2015 PMID: 25741868, with internal and published modifications).

NM_001395413.1(POR):c.1965C>T (p.His655=)

Gene: POR (cytochrome p450 oxidoreductase; plus strand). Cytogenetic location: 7q11.23.
Variant type: single nucleotide variant.
Coding change: c.1965C>T on transcript NM_001395413.1 (MANE Select); coding-DNA position 1965, C replaced by T.
Protein change: p.His655=; no amino-acid change (histidine 655 retained).
Molecular consequence: synonymous variant.
Genome position (GRCh38, 1-based): chr7:75,986,412, C>T. VCF-style: chr7-75986412-C-T. GRCh37 (hg19) VCF-style: chr7-75615730-C-T.
Other names: c.1974C>T, p.His658= (NM_000941.2, NM_000941.3); c.1965C>T, p.His655= (NM_001367562.3, NM_001382657.2, NM_001382658.3 and 1 more transcripts); c.2019C>T, p.His673= (NM_001382655.3); c.1815C>T, p.His605= (NM_001382662.3).
Identifiers: ClinVar variation 2142060 (VCV002142060.6), dbSNP rs782143954, ClinGen allele CA4304387.